The following is an entry in ClinVar:

ClinVar aggregate classification (germline): Pathogenic (1 of 4 stars; one submission).

Conditions:
Arrhythmogenic right ventricular dysplasia 11. Also called: ARRHYTHMOGENIC RIGHT VENTRICULAR DYSPLASIA, FAMILIAL, 11; Arrhythmogenic Right Ventricular Dysplasia/Cardiomyopathy11; Arrhythmogenic right ventricular dysplasia 11 with mild palmoplantar keratoderma and woolly hair. Identifiers: MedGen C1864850, MONDO:0012506, OMIM 610476.

Submission:

Labcorp Genetics (formerly Invitae), Labcorp
Classification: Pathogenic for Arrhythmogenic right ventricular dysplasia 11. Last evaluated: 2024-10-09. Review status: criteria provided, single submitter. Criteria: Invitae Variant Classification Sherloc (09022015). Collection method: clinical testing. Allele origin: germline.
Comment: This sequence change creates a premature translational stop signal (p.Asn542Metfs*29) in the DSC2 gene. It is expected to result in an absent or disrupted protein product. Loss-of-function variants in DSC2 are known to be pathogenic (PMID: 23911551). This variant is not present in population databases (gnomAD no frequency). This variant has not been reported in the literature in individuals affected with DSC2-related conditions. For these reasons, this variant has been classified as Pathogenic.

Literature cited by the submitters: PubMed 23911551.

NM_024422.6(DSC2):c.1625del (p.Asn542fs)

Gene: DSC2 (desmocollin 2; minus strand). Cytogenetic location: 18q12.1.
Variant type: Deletion.
Coding change: c.1625del on transcript NM_024422.6 (MANE Select); coding-DNA position 1625, one base deleted (A; older notation c.1625delA).
Protein change: p.Asn542fs; shifts the reading frame from asparagine 542.
Molecular consequence: frameshift variant.
Genome position (GRCh38, 1-based): chr18:31,079,885, T deleted on the plus strand (A on the coding strand, the reverse complement: DSC2 is on the minus strand); the first of 5 consecutive T bases (chr18:31,079,885-31,079,889); deleting any one gives the same sequence. VCF-style (leftmost placement, unchanged base first): chr18-31079884-AT-A. GRCh37 (hg19) VCF-style: chr18-28659850-AT-A.
Other names: c.1196del, p.Asn399fs (NM_001406506.1, NM_001406507.1); c.1625del, p.Asn542fs (NM_004949.5); short protein forms N399fs, N542fs.
Identifiers: ClinVar variation 3721781 (VCV003721781.2).